The following is an entry in ClinVar:

NM_052947.4(ALPK2):c.164G>C (p.Ser55Thr)

Gene: ALPK2 (alpha kinase 2; minus strand). Cytogenetic location: 18q21.32.
Variant type: single nucleotide variant.
Coding change: c.164G>C on transcript NM_052947.4 (MANE Select); coding-DNA position 164, G replaced by C.
Protein change: p.Ser55Thr; replaces serine 55 with threonine.
Molecular consequence: missense variant.
Genome position (GRCh38, 1-based): chr18:58,607,385, C>G on the plus strand (G>C on the coding strand, the complement: ALPK2 is on the minus strand). VCF-style: chr18-58607385-C-G. GRCh37 (hg19) VCF-style: chr18-56274617-C-G.
Other names: short protein forms S55T.
Identifiers: ClinVar variation 1777230 (VCV001777230.2), dbSNP rs375915236, ClinGen allele CA402556029.

ClinVar aggregate classification (germline): Uncertain significance (1 of 4 stars; one submission).

Submission:

Ambry Genetics
Classification: Uncertain significance. Last evaluated: 2022-03-04. Review status: criteria provided, single submitter. Criteria: Ambry Variant Classification Scheme 2023. Collection method: clinical testing. Allele origin: germline.
Comment: The p.S55T variant (also known as c.164G>C), located in coding exon 2 of the ALPK2 gene, results from a G to C substitution at nucleotide position 164. The serine at codon 55 is replaced by threonine, an amino acid with similar properties. This amino acid position is conserved. In addition, this alteration is predicted to be tolerated by in silico analysis. Since supporting evidence is limited at this time, the clinical significance of this alteration remains unclear.